The following is an entry in ClinVar:

ClinVar aggregate classification (germline): Uncertain significance (1 of 4 stars; one submission).

Allele frequency attached by ClinVar (database versions not stated): ExAC 0.00001.
gnomAD v4.1: 4 of 1,494,262 alleles (0.00027%); highest among the groups gnomAD compares: Admixed American, 0.0028%; no homozygotes.

Submission:

Labcorp Genetics (formerly Invitae), Labcorp
Classification: Uncertain significance. Last evaluated: 2024-04-24. Review status: criteria provided, single submitter. Criteria: Invitae Variant Classification Sherloc (09022015). Collection method: clinical testing. Allele origin: germline.
Comment: This sequence change replaces glycine, which is neutral and non-polar, with glutamic acid, which is acidic and polar, at codon 6 of the CLCN6 protein (p.Gly6Glu). This variant is present in population databases (rs780153104, gnomAD 0.009%). This variant has not been reported in the literature in individuals affected with CLCN6-related conditions. ClinVar contains an entry for this variant (Variation ID: 1951169). Experimental studies and prediction algorithms are not available or were not evaluated, and the functional significance of this variant is currently unknown. In summary, the available evidence is currently insufficient to determine the role of this variant in disease. Therefore, it has been classified as a Variant of Uncertain Significance.

NM_001286.5(CLCN6):c.17G>A (p.Gly6Glu)

Gene: CLCN6 (chloride voltage-gated channel 6; plus strand). Cytogenetic location: 1p36.22.
Variant type: single nucleotide variant.
Coding change: c.17G>A on transcript NM_001286.5 (MANE Select); coding-DNA position 17, G replaced by A.
Protein change: p.Gly6Glu; replaces glycine 6 with glutamic acid.
Molecular consequence: missense variant. On other transcripts: non-coding transcript variant (1).
Genome position (GRCh38, 1-based): chr1:11,806,279, G>A. VCF-style: chr1-11806279-G-A. GRCh37 (hg19) VCF-style: chr1-11866336-G-A.
Other names: c.17G>A, p.Gly6Glu (NM_001256959.2); short protein forms G6E.
Identifiers: ClinVar variation 1951169 (VCV001951169.5), dbSNP rs780153104, ClinGen allele CA595841.